The following is an entry in ClinVar:

NM_003072.5(SMARCA4):c.921A>G (p.Pro307=)

Gene: SMARCA4 (SWI/SNF related BAF chromatin remodeling complex subunit ATPase 4; plus strand). Cytogenetic location: 19p13.2.
Variant type: single nucleotide variant.
Coding change: c.921A>G on transcript NM_003072.5 (MANE Select); coding-DNA position 921, A replaced by G.
Protein change: p.Pro307=; no amino-acid change (proline 307 retained).
Molecular consequence: synonymous variant. On other transcripts: non-coding transcript variant (1).
Genome position (GRCh38, 1-based): chr19:10,987,727, A>G. VCF-style: chr19-10987727-A-G. GRCh37 (hg19) VCF-style: chr19-11098403-A-G.
Other names: c.921A>G, p.Pro307= (NM_001128844.3, NM_001128845.2, NM_001128846.2 and 4 more transcripts).
Identifiers: ClinVar variation 697741 (VCV000697741.16), dbSNP rs1599967076, ClinGen allele CA505489641.

ClinVar aggregate classification (germline): Likely benign. Review status: criteria provided, multiple submitters, no conflicts (2 of 4 stars). 3 submissions from 3 submitters: Likely benign (3). Last evaluated 2025-06-01.

Conditions:
Hereditary cancer-predisposing syndrome. Also called: Tumor predisposition; Hereditary neoplastic syndrome; Hereditary Cancer Syndrome; Neoplastic Syndromes, Hereditary. Identifiers: Orphanet 140162, MedGen C0027672, MeSH D009386, MONDO:0015356.
Rhabdoid tumor predisposition syndrome 2 (RTPS2). Identifiers: Orphanet 231108, Orphanet 69077, MedGen C2750074, MONDO:0013224, OMIM 613325.
SMARCA4-related disorder. Also called: SMARCA4-related condition.

Allele frequency attached by ClinVar (database versions not stated): gnomAD exomes 0.00001.
gnomAD v4.1: 4 of 1,608,722 alleles (0.00025%); highest among the groups gnomAD compares: South Asian, 0.0033%; no homozygotes.

Submissions (3):

PreventionGenetics, part of Exact Sciences
Classification: Likely benign for SMARCA4-related condition. Last evaluated: 2025-06-01. Review status: criteria provided, single submitter. Criteria: ACMG Guidelines, 2015. Collection method: clinical testing. Allele origin: germline.
Comment: This variant is classified as likely benign based on ACMG/AMP sequence variant interpretation guidelines (Richards et al. 2015 PMID: 25741868, with internal and published modifications).

Labcorp Genetics (formerly Invitae), Labcorp
Classification: Likely benign for Rhabdoid tumor predisposition syndrome 2. Last evaluated: 2025-04-30. Review status: criteria provided, single submitter. Criteria: Invitae Variant Classification Sherloc (09022015). Collection method: clinical testing. Allele origin: germline.

Ambry Genetics
Classification: Likely benign for Hereditary cancer-predisposing syndrome. Last evaluated: 2019-12-12. Review status: criteria provided, single submitter. Criteria: Ambry Variant Classification Scheme 2023. Collection method: clinical testing. Allele origin: germline.